The following is an entry in ClinVar:

ClinVar aggregate classification (germline): Uncertain significance (1 of 4 stars; one submission).

Submission:

Centre for Mendelian Genomics, University Medical Centre Ljubljana
Classification: Uncertain significance. Last evaluated: 2019-06-21. Review status: criteria provided, single submitter. Criteria: ACMG Guidelines, 2015. Collection method: clinical testing. Allele origin: unknown. Affected: yes.
Comment: This variant was classified as: Uncertain significance. The available evidence on this variant's pathogenicity is insufficient or conflicting. The following ACMG criteria were applied in classifying this variant: PM2.

NM_001382779.1(FBXL19):c.1205_1218del (p.His402fs)

Gene: FBXL19 (F-box and leucine rich repeat protein 19; plus strand). Cytogenetic location: 16p11.2.
Variant type: Deletion.
Coding change: c.1205_1218del on transcript NM_001382779.1 (MANE Select); coding-DNA positions 1205 to 1218, 14 bases deleted (ACCCCCTGCCCCGG).
Protein change: p.His402fs; shifts the reading frame from histidine 402.
Molecular consequence: frameshift variant.
Genome position (GRCh38, 1-based): chr16:30,930,488-30,930,501, ACCCCCTGCCCCGG deleted. VCF-style (leftmost placement, unchanged base first): chr16-30930487-CACCCCCTGCCCCGG-C. GRCh37 (hg19) VCF-style: chr16-30941808-CACCCCCTGCCCCGG-C.
Other names: c.1265_1278del, p.His422fs (NM_001099784.3); c.329_342del, p.His110fs (NM_001282351.1); c.1142_1155del, p.His381fs (NM_001382780.1); c.1076_1089del, p.His359fs (NM_001382781.1); short protein forms H110fs, H402fs, H381fs, H422fs, H359fs.
Identifiers: ClinVar variation 930418 (VCV000930418.3), dbSNP rs2055660468, ClinGen allele CA1139664661.